The following is an entry in ClinVar:

ClinVar aggregate classification (germline): Likely benign. Review status: criteria provided, multiple submitters, no conflicts (2 of 4 stars). 2 submissions from 2 submitters: Likely benign (2). Last evaluated 2018-06-17.

Allele frequency attached by ClinVar (database versions not stated): 1000 Genomes Project 0.01078; 1000 Genomes Project 30x 0.01171; TOPMed 0.01300; gnomAD 0.01593 and 0.01601; gnomAD exomes 0.01628 and 0.02204; ExAC 0.01765; ESP Exome Variant Server 0.01838.
gnomAD v4.1: 34,383 of 1,611,138 alleles (2.1%); highest among the groups gnomAD compares: Non-Finnish European, 2.5%; 434 homozygotes.

Submissions (2):

GeneDx
Classification: Likely benign. Last evaluated: 2018-06-17. Review status: criteria provided, single submitter. Criteria: GeneDx Variant Classification (06012015). Collection method: clinical testing. Allele origin: germline. Affected: yes.
Comment: This variant is considered likely benign or benign based on one or more of the following criteria: it is a conservative change, it occurs at a poorly conserved position in the protein, it is predicted to be benign by multiple in silico algorithms, and/or has population frequency not consistent with disease.

Breakthrough Genomics
Classification: Likely benign. Review status: criteria provided, single submitter. Criteria: ACMG Guidelines, 2015. Collection method: not provided. Allele origin: germline. Inheritance: Unknown mechanism. Affected: yes.

NM_004304.5(ALK):c.953-21G>A

Gene: ALK (ALK receptor tyrosine kinase; minus strand). Cytogenetic location: 2p23.2.
Variant type: single nucleotide variant.
Coding change: c.953-21G>A on transcript NM_004304.5 (MANE Select); 21 bases into the intron before coding-DNA position 953, G replaced by A.
Molecular consequence: intron variant.
Genome position (GRCh38, 1-based): chr2:29,532,137, C>T on the plus strand (G>A on the coding strand, the complement: ALK is on the minus strand). VCF-style: chr2-29532137-C-T. GRCh37 (hg19) VCF-style: chr2-29755003-C-T.
Identifiers: ClinVar variation 676927 (VCV000676927.2), dbSNP rs62131079, ClinGen allele CA1594792.